The following is an entry in ClinVar:

NM_007215.4(POLG2):c.1171C>A (p.Pro391Thr)

Genes: MILR1 (mast cell immunoglobulin like receptor 1; plus strand), POLG2 (DNA polymerase gamma 2, accessory subunit; minus strand). Cytogenetic location: 17q23.3.
Variant type: single nucleotide variant.
Coding change: c.1171C>A on transcript NM_007215.4 (MANE Select); coding-DNA position 1171, C replaced by A.
Protein change: p.Pro391Thr; replaces proline 391 with threonine.
Molecular consequence: missense variant.
Genome position (GRCh38, 1-based): chr17:64,482,939, G>T on the plus strand (C>A on the coding strand, the complement: POLG2 is on the minus strand). VCF-style: chr17-64482939-G-T. GRCh37 (hg19) VCF-style: chr17-62479056-G-T.
Other names: c.1171C>A (NM_007215.3); short protein forms P391T.
Identifiers: ClinVar variation 1917716 (VCV001917716.7), dbSNP rs782162309, ClinGen allele CA8712816.

ClinVar aggregate classification (germline): Uncertain significance. Review status: criteria provided, multiple submitters, no conflicts (2 of 4 stars). 2 submissions from 2 submitters: Uncertain significance (2). Last evaluated 2025-10-02.

Allele frequency attached by ClinVar (database versions not stated): ExAC 0.00001; gnomAD 0.00001.
gnomAD v4.1: 22 of 1,598,050 alleles (0.0014%); highest among the groups gnomAD compares: Non-Finnish European, 0.0019%; no homozygotes.

Submissions (2):

Labcorp Genetics (formerly Invitae), Labcorp
Classification: Uncertain significance. Last evaluated: 2025-10-02. Review status: criteria provided, single submitter. Criteria: Invitae Variant Classification Sherloc (09022015). Collection method: clinical testing. Allele origin: germline.
Comment: This sequence change replaces proline, which is neutral and non-polar, with threonine, which is neutral and polar, at codon 391 of the POLG2 protein (p.Pro391Thr). This variant is present in population databases (rs782162309, gnomAD 0.002%). This variant has not been reported in the literature in individuals affected with POLG2-related conditions. ClinVar contains an entry for this variant (Variation ID: 1917716). An algorithm developed to predict the effect of missense changes on protein structure and function (PolyPhen-2) suggests that this variant is likely to be disruptive. In summary, the available evidence is currently insufficient to determine the role of this variant in disease. Therefore, it has been classified as a Variant of Uncertain Significance.

Ambry Genetics
Classification: Uncertain significance. Last evaluated: 2023-07-25. Review status: criteria provided, single submitter. Criteria: Ambry Variant Classification Scheme 2023. Collection method: clinical testing. Allele origin: germline.